The following is an entry in ClinVar:

ClinVar aggregate classification (germline): Uncertain significance. Review status: criteria provided, multiple submitters, no conflicts (2 of 4 stars). 2 submissions from 2 submitters: Uncertain significance (2). Last evaluated 2025-03-05.

Submissions (2):

Labcorp Genetics (formerly Invitae), Labcorp
Classification: Uncertain significance. Last evaluated: 2025-03-05. Review status: criteria provided, single submitter. Criteria: Invitae Variant Classification Sherloc (09022015). Collection method: clinical testing. Allele origin: germline.
Comment: This sequence change replaces threonine, which is neutral and polar, with isoleucine, which is neutral and non-polar, at codon 3133 of the KMT2A protein (p.Thr3133Ile). This variant is not present in population databases (gnomAD no frequency). This variant has not been reported in the literature in individuals affected with KMT2A-related conditions. ClinVar contains an entry for this variant (Variation ID: 2126360). Invitae Evidence Modeling of protein sequence and biophysical properties (such as structural, functional, and spatial information, amino acid conservation, physicochemical variation, residue mobility, and thermodynamic stability) indicates that this missense variant is not expected to disrupt KMT2A protein function with a negative predictive value of 95%. In summary, the available evidence is currently insufficient to determine the role of this variant in disease. Therefore, it has been classified as a Variant of Uncertain Significance.

GeneDx
Classification: Uncertain significance. Last evaluated: 2023-11-16. Review status: criteria provided, single submitter. Criteria: GeneDx Variant Classification Process June 2021. Collection method: clinical testing. Allele origin: germline. Affected: yes.
Comment: Not observed at significant frequency in large population cohorts (gnomAD); In silico analysis supports that this missense variant does not alter protein structure/function; Has not been previously published as pathogenic or benign to our knowledge

NM_001197104.2(KMT2A):c.9398C>T (p.Thr3133Ile)

Gene: KMT2A (lysine methyltransferase 2A; plus strand). Cytogenetic location: 11q23.3.
Variant type: single nucleotide variant.
Coding change: c.9398C>T on transcript NM_001197104.2 (MANE Select); coding-DNA position 9398, C replaced by T.
Protein change: p.Thr3133Ile; replaces threonine 3133 with isoleucine.
Molecular consequence: missense variant.
Genome position (GRCh38, 1-based): chr11:118,505,290, C>T. VCF-style: chr11-118505290-C-T. GRCh37 (hg19) VCF-style: chr11-118376005-C-T.
Other names: c.9488C>T, p.Thr3163Ile (NM_001412597.1); c.9389C>T, p.Thr3130Ile (NM_005933.4); short protein forms T3130I, T3163I, T3133I.
Identifiers: ClinVar variation 2126360 (VCV002126360.5), dbSNP rs1555047665, ClinGen allele CA382820330.